The following is an entry in ClinVar:

NM_006904.7(PRKDC):c.11653C>T (p.Arg3885Trp)

Gene: PRKDC (protein kinase, DNA-activated, catalytic subunit; minus strand). Cytogenetic location: 8q11.21.
Variant type: single nucleotide variant.
Coding change: c.11653C>T on transcript NM_006904.7 (MANE Select); coding-DNA position 11653, C replaced by T.
Protein change: p.Arg3885Trp; replaces arginine 3885 with tryptophan.
Molecular consequence: missense variant.
Genome position (GRCh38, 1-based): chr8:47,778,659, G>A on the plus strand (C>T on the coding strand, the complement: PRKDC is on the minus strand). VCF-style: chr8-47778659-G-A. GRCh37 (hg19) VCF-style: chr8-48691220-G-A.
Other names: c.11560C>T, p.Arg3854Trp (NM_001081640.2); short protein forms R3854W, R3885W.
Identifiers: ClinVar variation 843538 (VCV000843538.2), dbSNP rs773471515, ClinGen allele CA4739021.

ClinVar aggregate classification (germline): Uncertain significance (1 of 4 stars; one submission).

Conditions:
Severe combined immunodeficiency due to DNA-PKcs deficiency. Also called: IMMUNODEFICIENCY 26 WITH NEUROLOGIC ABNORMALITIES; Immunodeficiency 26 with or without neurologic abnormalities. Identifiers: Orphanet 317425, MedGen C4014833, MONDO:0014423, OMIM 615966.

Allele frequency attached by ClinVar (database versions not stated): gnomAD 0.00001; gnomAD exomes 0.00001 and 0.00002; TOPMed 0.00001; ExAC 0.00002.
gnomAD v4.1: 14 of 1,613,032 alleles (0.00087%); highest among the groups gnomAD compares: East Asian, 0.0022%; no homozygotes.

Submission:

Labcorp Genetics (formerly Invitae), Labcorp
Classification: Uncertain significance for Severe combined immunodeficiency due to DNA-PKcs deficiency. Last evaluated: 2019-02-14. Review status: criteria provided, single submitter. Criteria: Invitae Variant Classification Sherloc (09022015). Collection method: clinical testing. Allele origin: germline.
Comment: This sequence change replaces arginine with tryptophan at codon 3885 of the PRKDC protein (p.Arg3885Trp). The arginine residue is moderately conserved and there is a moderate physicochemical difference between arginine and tryptophan. This variant is present in population databases (rs773471515, ExAC 0.01%). This variant has not been reported in the literature in individuals with PRKDC-related conditions. Algorithms developed to predict the effect of missense changes on protein structure and function are either unavailable or do not agree on the potential impact of this missense change (SIFT: Deleterious; PolyPhen-2: Not Available; Align-GVGD: Class C0). Algorithms developed to predict the effect of sequence changes on RNA splicing suggest that this variant may create or strengthen a splice site, but this prediction has not been confirmed by published transcriptional studies. In summary, the available evidence is currently insufficient to determine the role of this variant in disease. Therefore, it has been classified as a Variant of Uncertain Significance.